The following is an entry in ClinVar:

ClinVar aggregate classification (germline): Uncertain significance (1 of 4 stars; one submission).

Conditions:
Autosomal recessive limb-girdle muscular dystrophy type 2A (LGMDR1). Also called: Muscular dystrophy, limb-girdle, type 2A, Amish; Calpainopathy; LEYDEN-MOEBIUS MUSCULAR DYSTROPHY; MUSCULAR DYSTROPHY, PELVOFEMORAL; Limb-girdle muscular dystrophy, type 2A. Identifiers: Orphanet 267, MedGen C1869123, MONDO:0009675, OMIM 253600. Disease mechanism: loss of function.

Submission:

Labcorp Genetics (formerly Invitae), Labcorp
Classification: Uncertain significance for Autosomal recessive limb-girdle muscular dystrophy type 2A. Last evaluated: 2025-02-23. Review status: criteria provided, single submitter. Criteria: Invitae Variant Classification Sherloc (09022015). Collection method: clinical testing. Allele origin: germline.
Comment: This sequence change replaces leucine, which is neutral and non-polar, with proline, which is neutral and non-polar, at codon 615 of the CAPN3 protein (p.Leu615Pro). This variant is not present in population databases (gnomAD no frequency). This variant has not been reported in the literature in individuals affected with CAPN3-related conditions. Invitae Evidence Modeling of protein sequence and biophysical properties (such as structural, functional, and spatial information, amino acid conservation, physicochemical variation, residue mobility, and thermodynamic stability) has been performed for this missense variant. However, the output from this modeling did not meet the statistical confidence thresholds required to predict the impact of this variant on CAPN3 protein function. In summary, the available evidence is currently insufficient to determine the role of this variant in disease. Therefore, it has been classified as a Variant of Uncertain Significance.

NM_000070.3(CAPN3):c.1844T>C (p.Leu615Pro)

Gene: CAPN3 (calpain 3; plus strand). Cytogenetic location: 15q15.1.
Variant type: single nucleotide variant.
Coding change: c.1844T>C on transcript NM_000070.3 (MANE Select); coding-DNA position 1844, T replaced by C.
Protein change: p.Leu615Pro; replaces leucine 615 with proline.
Molecular consequence: missense variant. On other transcripts: intron variant (3).
Genome position (GRCh38, 1-based): chr15:42,408,254, T>C. VCF-style: chr15-42408254-T-C. GRCh37 (hg19) VCF-style: chr15-42700452-T-C.
Other names: c.1826T>C, p.Leu609Pro (NM_024344.2); c.308T>C, p.Leu103Pro (NM_173088.2); c.1639-1049T>C (NM_173087.2); c.-81-1049T>C (NM_173090.2, NM_173089.2); short protein forms L103P, L609P, L615P.
Identifiers: ClinVar variation 3620954 (VCV003620954.2).
Genomic context (GRCh38, chr15:42,408,254, plus strand): 5'-CTCCCTCCTCTCTCCAGCCCATCATCTTCGTTTCGGACAGAGCAAACAGCAACAAGGAGC[T>C]GGGTGTGGACCAGGAGTCAGAGGAGGGCAAAGGCAAAACAAGCCCTGATAAGCAAAAGCA-3'
Protein context (NP_000061.1, residues 605-625): VSDRANSNKE[Leu615Pro]GVDQESEEGK